The following is an entry in ClinVar:

NM_000321.3(RB1):c.1493A>G (p.Tyr498Cys)

Gene: RB1 (RB transcriptional corepressor 1; plus strand). Cytogenetic location: 13q14.2.
Variant type: single nucleotide variant.
Coding change: c.1493A>G on transcript NM_000321.3 (MANE Select); coding-DNA position 1493, A replaced by G.
Protein change: p.Tyr498Cys; replaces tyrosine 498 with cysteine.
Molecular consequence: missense variant.
Genome position (GRCh38, 1-based): chr13:48,380,236, A>G. VCF-style: chr13-48380236-A-G. GRCh37 (hg19) VCF-style: chr13-48954372-A-G.
Other names: short protein forms Y498C.
Identifiers: ClinVar variation 944607 (VCV000944607.13), dbSNP rs1948523564, ClinGen allele CA388162914.

ClinVar aggregate classification (germline): Uncertain significance. Review status: criteria provided, multiple submitters, no conflicts (2 of 4 stars). 2 submissions from 2 submitters: Uncertain significance (2). Last evaluated 2026-06-18.

Conditions:
Retinoblastoma (RB1). Also called: RETINOBLASTOMA, SOMATIC. Identifiers: Orphanet 790, MedGen C0035335, MeSH D012175, MONDO:0008380, OMIM 180200, HP:0009919. Disease mechanism: loss of function. Inheritance: Both sporadic and heritable forms are tested..
Hereditary cancer-predisposing syndrome. Also called: Neoplastic Syndromes, Hereditary; Hereditary Cancer Syndrome; Tumor predisposition; Hereditary neoplastic syndrome. Identifiers: Orphanet 140162, MedGen C0027672, MeSH D009386, MONDO:0015356.

Allele frequency attached by ClinVar (database versions not stated): gnomAD exomes below 0.00001.
gnomAD v4.1: 1 of 1,593,794 alleles (0.000063%); highest among the groups gnomAD compares: Non-Finnish European, 0.000086%; no homozygotes.

Submissions (2):

Ambry Genetics
Classification: Uncertain significance for Hereditary cancer-predisposing syndrome. Last evaluated: 2026-06-18. Review status: criteria provided, single submitter. Criteria: Ambry Variant Classification Scheme 2023. Collection method: clinical testing. Allele origin: germline.
Comment: The p.Y498C variant (also known as c.1493A>G), located in coding exon 16 of the RB1 gene, results from an A to G substitution at nucleotide position 1493. The tyrosine at codon 498 is replaced by cysteine, an amino acid with highly dissimilar properties. This amino acid position is highly conserved in available vertebrate species. In addition, this alteration is predicted to be deleterious by in silico analysis. Based on the available evidence, the clinical significance of this variant remains unclear.

Labcorp Genetics (formerly Invitae), Labcorp
Classification: Uncertain significance for Retinoblastoma. Last evaluated: 2024-11-25. Review status: criteria provided, single submitter. Criteria: Invitae Variant Classification Sherloc (09022015). Collection method: clinical testing. Allele origin: germline.
Comment: This sequence change replaces tyrosine, which is neutral and polar, with cysteine, which is neutral and slightly polar, at codon 498 of the RB1 protein (p.Tyr498Cys). This variant is not present in population databases (gnomAD no frequency). This variant has not been reported in the literature in individuals affected with RB1-related conditions. ClinVar contains an entry for this variant (Variation ID: 944607). Invitae Evidence Modeling of protein sequence and biophysical properties (such as structural, functional, and spatial information, amino acid conservation, physicochemical variation, residue mobility, and thermodynamic stability) has been performed for this missense variant. However, the output from this modeling did not meet the statistical confidence thresholds required to predict the impact of this variant on RB1 protein function. In summary, the available evidence is currently insufficient to determine the role of this variant in disease. Therefore, it has been classified as a Variant of Uncertain Significance.